The following is an entry in ClinVar:

NM_018136.5(ASPM):c.6360C>T (p.Ala2120=)

Gene: ASPM (assembly factor for spindle microtubules; minus strand). Cytogenetic location: 1q31.3.
Variant type: single nucleotide variant.
Coding change: c.6360C>T on transcript NM_018136.5 (MANE Select); coding-DNA position 6360, C replaced by T.
Protein change: p.Ala2120=; no amino-acid change (alanine 2120 retained).
Molecular consequence: synonymous variant. On other transcripts: intron variant (1).
Genome position (GRCh38, 1-based): chr1:197,102,891, G>A on the plus strand (C>T on the coding strand, the complement: ASPM is on the minus strand). VCF-style: chr1-197102891-G-A. GRCh37 (hg19) VCF-style: chr1-197072021-G-A.
Other names: c.4066-6727C>T (NM_001206846.2).
Identifiers: ClinVar variation 3771847 (VCV003771847.13).
Genomic context (GRCh38, chr1:197,102,891, plus strand): 5'-TCTCATTGTATGGTAACTTATTCTTGACTGATGCATTTTAAACATGGCTTTAATAAAAGT[G>A]GCTGCCCTGTGCATGTGTTGAATATGTCTTCTAACTCTAATACCTCTATAAACAGATTGG-3'
Protein context (NP_060606.3, residues 2110-2130): RRHIQHMHRA[Ala2120=]TFIKAMFKMH

ClinVar aggregate classification (germline): Uncertain significance (1 of 4 stars; one submission).

gnomAD v4.1: 3 of 1,612,484 alleles (0.00019%); highest among the groups gnomAD compares: Non-Finnish European, 0.00025%; no homozygotes.

Submission:

CeGaT Center for Human Genetics Tuebingen
Classification: Uncertain significance. Last evaluated: 2025-02-01. Review status: criteria provided, single submitter. Criteria: CeGaT Center For Human Genetics Tuebingen Variant Classification Criteria Version 2. Collection method: clinical testing. Allele origin: germline. Affected: yes. Observed: 1 variant allele.
Comment: ASPM: PM2:Supporting, BP4